The following is an entry in ClinVar:

NM_000062.3(SERPING1):c.911_922del (p.Asp304_Thr308delinsAla)

Gene: SERPING1 (serpin family G member 1; plus strand). Cytogenetic location: 11q12.1.
Variant type: Deletion.
Coding change: c.911_922del on transcript NM_000062.3 (MANE Select); coding-DNA positions 911 to 922, 12 bases deleted (ATCCCAAGAAAA).
Protein change: p.Asp304_Thr308delinsAla.
Molecular consequence: inframe indel.
Genome position (GRCh38, 1-based): chr11:57,606,429-57,606,440, ATCCCAAGAAAA deleted. VCF-style (leftmost placement, unchanged base first): chr11-57606428-GATCCCAAGAAAA-G. GRCh37 (hg19) VCF-style: chr11-57373901-GATCCCAAGAAAA-G.
Other names: c.911_922del, p.Asp304_Thr308delinsAla (NM_001032295.2).
Identifiers: ClinVar variation 4530580 (VCV004530580.1).

ClinVar aggregate classification (germline): Uncertain significance (1 of 4 stars; one submission).

Conditions:
Hereditary angioedema type 1 (HAE1). Identifiers: Orphanet 100050, Orphanet 100051, Orphanet 91378, MedGen C2717906, MONDO:0015053, OMIM 106100.

Submission:

Institute of Human Genetics, University of Leipzig Medical Center
Classification: Uncertain significance for Hereditary angioedema type 1. Last evaluated: 2025-10-14. Review status: criteria provided, single submitter. Criteria: ACMG Guidelines, 2015. Collection method: clinical testing. Allele origin: unknown. Inheritance: Autosomal dominant inheritance. Affected: yes.
Comment: Criteria applied: PM2,PM4,PP4